The following is an entry in ClinVar:

ClinVar aggregate classification (germline): Uncertain significance (1 of 4 stars; one submission).

Submission:

GeneDx
Classification: Uncertain significance. Last evaluated: 2024-06-21. Review status: criteria provided, single submitter. Criteria: GeneDx Variant Classification Process June 2021. Collection method: clinical testing. Allele origin: germline. Affected: yes.
Comment: Not observed at significant frequency in large population cohorts (gnomAD); In silico analysis supports that this missense variant has a deleterious effect on protein structure/function; Has not been previously published as pathogenic or benign to our knowledge; This variant is associated with the following publications: (PMID: 17924661)

NM_000458.4(HNF1B):c.465C>A (p.Asn155Lys)

Gene: HNF1B (HNF1 homeobox B; minus strand). Cytogenetic location: 17q12.
Variant type: single nucleotide variant.
Coding change: c.465C>A on transcript NM_000458.4 (MANE Select); coding-DNA position 465, C replaced by A.
Protein change: p.Asn155Lys; replaces asparagine 155 with lysine.
Molecular consequence: missense variant.
Genome position (GRCh38, 1-based): chr17:37,739,519, G>T on the plus strand (C>A on the coding strand, the complement: HNF1B is on the minus strand). VCF-style: chr17-37739519-G-T. GRCh37 (hg19) VCF-style: chr17-36099510-G-T.
Other names: c.465C>A, p.Asn155Lys (NM_001165923.4, NM_001304286.2, NM_001411100.1); short protein forms N155K.
Identifiers: ClinVar variation 3391710 (VCV003391710.1).